The following is an entry in ClinVar:

NM_004304.5(ALK):c.590A>G (p.Glu197Gly)

Gene: ALK (ALK receptor tyrosine kinase; minus strand). Cytogenetic location: 2p23.1.
Variant type: single nucleotide variant.
Coding change: c.590A>G on transcript NM_004304.5 (MANE Select); coding-DNA position 590, A replaced by G.
Protein change: p.Glu197Gly; replaces glutamic acid 197 with glycine.
Molecular consequence: missense variant.
Genome position (GRCh38, 1-based): chr2:29,920,070, T>C on the plus strand (A>G on the coding strand, the complement: ALK is on the minus strand). VCF-style: chr2-29920070-T-C. GRCh37 (hg19) VCF-style: chr2-30142936-T-C.
Other names: c.590A>G (NM_004304.4); short protein forms E197G.
Identifiers: ClinVar variation 2056205 (VCV002056205.5), dbSNP rs2148442921, ClinGen allele CA346589734.
Genomic context (GRCh38, chr2:29,920,070, plus strand): 5'-AAGAGAAGGCGGGGCTGGGAGGCGCGAATTGCCGCGGACAGCCTTCCCTCTCTGCCCACT[T>C]CCGACGCCTTCTTCTCGGGCATCAGGCGGATCCTCAGTCGCCCTTCGCCTTGGCGAATCC-3'
Protein context (NP_004295.2, residues 187-207): IRLMPEKKAS[Glu197Gly]VGREGRLSAA

ClinVar aggregate classification (germline): Uncertain significance. Review status: criteria provided, multiple submitters, no conflicts (2 of 4 stars). 2 submissions from 2 submitters: Uncertain significance (2). Last evaluated 2026-01-06.

Conditions:
Hereditary cancer-predisposing syndrome. Also called: Neoplastic Syndromes, Hereditary; Tumor predisposition; Hereditary Cancer Syndrome; Hereditary neoplastic syndrome. Identifiers: Orphanet 140162, MedGen C0027672, MeSH D009386, MONDO:0015356.
Neuroblastoma, susceptibility to, 3. Also called: ALK-Related Neuroblastic Tumor Susceptibility. Identifiers: Orphanet 635, MedGen C2751681, MONDO:0013083, OMIM 613014.

Submissions (2):

Ambry Genetics
Classification: Uncertain significance for Hereditary cancer-predisposing syndrome. Last evaluated: 2026-01-06. Review status: criteria provided, single submitter. Criteria: Ambry Variant Classification Scheme 2023. Collection method: clinical testing. Allele origin: germline.
Comment: The p.E197G variant (also known as c.590A>G), located in coding exon 1 of the ALK gene, results from an A to G substitution at nucleotide position 590. The glutamic acid at codon 197 is replaced by glycine, an amino acid with similar properties. This amino acid position is conserved. In addition, this alteration is predicted to be tolerated by in silico analysis. Based on the available evidence, the clinical significance of this variant remains unclear.

Labcorp Genetics (formerly Invitae), Labcorp
Classification: Uncertain significance for Neuroblastoma, susceptibility to, 3. Last evaluated: 2021-12-23. Review status: criteria provided, single submitter. Criteria: Invitae Variant Classification Sherloc (09022015). Collection method: clinical testing. Allele origin: germline.
Comment: In summary, the available evidence is currently insufficient to determine the role of this variant in disease. Therefore, it has been classified as a Variant of Uncertain Significance. Algorithms developed to predict the effect of missense changes on protein structure and function (SIFT, PolyPhen-2, Align-GVGD) all suggest that this variant is likely to be tolerated. This variant has not been reported in the literature in individuals affected with ALK-related conditions. This variant is not present in population databases (gnomAD no frequency). This sequence change replaces glutamic acid, which is acidic and polar, with glycine, which is neutral and non-polar, at codon 197 of the ALK protein (p.Glu197Gly).